The following is an entry in ClinVar:

ClinVar aggregate classification (germline): Conflicting classifications of pathogenicity. Review status: criteria provided, conflicting classifications (1 of 4 stars). 7 submissions from 7 submitters: Uncertain significance (3); Likely benign (3). 1 of the submissions does not count toward it. Last evaluated 2025-10-14.

Conditions:
Cardiovascular phenotype. Identifiers: MedGen CN230736.
LAMA4-related disorder. Also called: LAMA4-related condition.
Dilated cardiomyopathy 1JJ (CMD1JJ). Identifiers: Orphanet 154, MedGen C3808935, MONDO:0014095, OMIM 615235.

Allele frequency attached by ClinVar (database versions not stated): ExAC 0.00008; gnomAD exomes 0.00008; TOPMed 0.00008; gnomAD 0.00009 and 0.00010; ESP Exome Variant Server 0.00031.
gnomAD v4.1: 296 of 1,612,278 alleles (0.018%); highest among the groups gnomAD compares: Non-Finnish European, 0.024%; 1 homozygote.

Submissions (7):

Labcorp Genetics (formerly Invitae), Labcorp
Classification: Uncertain significance for Dilated cardiomyopathy 1JJ. Last evaluated: 2025-10-14. Review status: criteria provided, single submitter. Criteria: Invitae Variant Classification Sherloc (09022015). Collection method: clinical testing. Allele origin: germline.
Comment: This sequence change falls in intron 12 of the LAMA4 gene. It does not directly change the encoded amino acid sequence of the LAMA4 protein. It affects a nucleotide within the consensus splice site. This variant is present in population databases (rs201209516, gnomAD 0.02%). This variant has not been reported in the literature in individuals affected with LAMA4-related conditions. ClinVar contains an entry for this variant (Variation ID: 228779). Variants that disrupt the consensus splice site are a relatively common cause of aberrant splicing (PMID: 17576681, 9536098). Algorithms developed to predict the effect of sequence changes on RNA splicing suggest that this variant is not likely to affect RNA splicing. In summary, the available evidence is currently insufficient to determine the role of this variant in disease. Therefore, it has been classified as a Variant of Uncertain Significance.

CeGaT Center for Human Genetics Tuebingen
Classification: Likely benign. Last evaluated: 2025-02-01. Review status: criteria provided, single submitter. Criteria: CeGaT Center For Human Genetics Tuebingen Variant Classification Criteria Version 2. Collection method: clinical testing. Allele origin: germline. Affected: yes. Observed: 1 variant allele.
Comment: LAMA4: BP4

Ambry Genetics
Classification: Uncertain significance for Cardiovascular phenotype. Last evaluated: 2024-02-08. Review status: criteria provided, single submitter. Criteria: Ambry Variant Classification Scheme 2023. Collection method: clinical testing. Allele origin: germline.
Comment: The c.1530+4C>T intronic variant results from a C to T substitution 4 nucleotides after coding exon 11 in the LAMA4 gene. This nucleotide position is well conserved in available vertebrate species. In silico splice site analysis predicts that this alteration will not have any significant effect on splicing. The evidence for this gene-disease relationship is limited; therefore, the clinical significance of this alteration is unclear.

Blueprint Genetics
Classification: Likely benign. Last evaluated: 2023-12-04. Review status: criteria provided, single submitter. Criteria: ACMG Guidelines, 2015. Collection method: clinical testing. Allele origin: germline.

GeneDx
Classification: Likely benign. Last evaluated: 2020-07-27. Review status: criteria provided, single submitter. Criteria: GeneDx Variant Classification Process June 2021. Collection method: clinical testing. Allele origin: germline. Affected: yes.

Laboratory for Molecular Medicine, Mass General Brigham Personalized Medicine
Classification: Uncertain significance. Last evaluated: 2015-06-10. Review status: criteria provided, single submitter. Criteria: LMM Criteria. Collection method: clinical testing. Allele origin: germline. Observed: 1 variant allele.
Comment: The c.1530+4C>T variant in LAMA4 has not been previously reported in individuals with cardiomyopathy, but has been identified in 9/66704 European chromosomes by the Exome Aggregation Consortium (ExAC; dbSNP r s201209516). This variant is located in the 5' splice region but computational t ools do not suggest an impact to splicing. However, this information is not pred ictive enough to rule out pathogenicity. In summary, the clinical significance o f the c.1530+4C>T variant is uncertain.

PreventionGenetics, part of Exact Sciences
Classification: Likely benign for LAMA4-related condition. Last evaluated: 2019-10-30. Review status: no assertion criteria provided. Collection method: clinical testing. Allele origin: germline. Not counted in ClinVar's aggregate classification.
Comment: This variant is classified as likely benign based on ACMG/AMP sequence variant interpretation guidelines (Richards et al. 2015 PMID: 25741868, with internal and published modifications).

Literature cited by the submitters: PubMed 17576681 (cited by Labcorp Genetics (formerly Invitae), Labcorp); PubMed 9536098 (cited by Labcorp Genetics (formerly Invitae), Labcorp).

NM_001105206.3(LAMA4):c.1551+4C>T

Gene: LAMA4 (laminin subunit alpha 4; minus strand). Cytogenetic location: 6q21.
Variant type: single nucleotide variant.
Coding change: c.1551+4C>T on transcript NM_001105206.3 (MANE Select); 4 bases into the intron after coding-DNA position 1551, C replaced by T.
Molecular consequence: intron variant.
Genome position (GRCh38, 1-based): chr6:112,172,607, G>A on the plus strand (C>T on the coding strand, the complement: LAMA4 is on the minus strand). VCF-style: chr6-112172607-G-A. GRCh37 (hg19) VCF-style: chr6-112493809-G-A.
Other names: c.1530+4C>T (NM_002290.5, NM_001105207.3).
Identifiers: ClinVar variation 228779 (VCV000228779.31), dbSNP rs201209516, ClinGen allele CA3965756.